The following is an entry in ClinVar:

NM_002109.6(HARS1):c.2_3insATCC (p.Met1fs)

Genes: HARS1 (histidyl-tRNA synthetase 1; minus strand), LOC129994848 (ATAC-STARR-seq lymphoblastoid active region 23285; plus strand). Cytogenetic location: 5q31.3.
Variant type: Insertion.
Coding change: c.2_3insATCC on transcript NM_002109.6 (MANE Select); coding-DNA positions 2 to 3, ATCC inserted.
Protein change: p.Met1fs; shifts the reading frame from methionine 1.
Molecular consequence: frameshift variant, initiator codon variant.
Genome position: GRCh38 VCF-style: chr5-140691302-C-CGGAT. GRCh37 (hg19) VCF-style: chr5-140070887-C-CGGAT.
Other names: c.2_3insATCC, p.Met1fs (NM_001258040.3, NM_001258041.3, NM_001258042.3 and 3 more transcripts); short protein forms M1fs.
Identifiers: ClinVar variation 1799849 (VCV001799849.3), dbSNP rs2481344980, ClinGen allele CA2580072981.

ClinVar aggregate classification (germline): Uncertain significance (1 of 4 stars; one submission).

Submission:

Ambry Genetics
Classification: Uncertain significance. Last evaluated: 2021-05-21. Review status: criteria provided, single submitter. Criteria: Ambry Variant Classification Scheme 2023. Collection method: clinical testing. Allele origin: germline.
Comment: The c.2_3insATCC variant, located in coding exon 1 of the HARS gene, results from an insertion of 4 nucleotides at position 2, causing a translational frameshift with a predicted alternate stop codon (p.M1?). This alteration is expected to result in loss of function by premature protein truncation or nonsense-mediated mRNA decay. However, there is an alternative initiation (or start) codon in other clinically/biologically relevant transcript(s). This amino acid position is highly conserved in available vertebrate species. Since supporting evidence is limited at this time, the clinical significance of this alteration remains unclear.